The following is an entry in ClinVar:

ClinVar aggregate classification (germline): Uncertain significance. Review status: criteria provided, multiple submitters, no conflicts (2 of 4 stars). 2 submissions from 2 submitters: Uncertain significance (2). Last evaluated 2025-03-26.

Conditions:
Odonto-onycho-dermal dysplasia. Identifiers: Orphanet 2721, MedGen C0796093, MONDO:0009773, OMIM 257980.
Tooth agenesis, selective, 4 (STHAG4). Also called: LATERAL INCISORS, ABSENCE OF; LATERAL INCISORS, PEGGED OR MISSING; SUCCEDANEOUS TEETH, AGENESIS OF; TOOTH AGENESIS, SELECTIVE, 4, WITH OR WITHOUT ECTODERMAL DYSPLASIA. Identifiers: Orphanet 99798, MedGen C1835492, MONDO:0007881, OMIM 150400. Disease mechanism: loss of function.
Inborn genetic diseases. Identifiers: MedGen C0950123, MeSH D030342.

Submissions (2):

Ambry Genetics
Classification: Uncertain significance for Inborn genetic diseases. Last evaluated: 2025-03-26. Review status: criteria provided, single submitter. Criteria: Ambry Variant Classification Scheme 2023. Collection method: clinical testing. Allele origin: germline.

Labcorp Genetics (formerly Invitae), Labcorp
Classification: Uncertain significance for Tooth agenesis, selective, 4; Odonto-onycho-dermal dysplasia. Last evaluated: 2024-06-20. Review status: criteria provided, single submitter. Criteria: Invitae Variant Classification Sherloc (09022015). Collection method: clinical testing. Allele origin: germline.
Comment: This sequence change replaces cysteine, which is neutral and slightly polar, with tyrosine, which is neutral and polar, at codon 394 of the WNT10A protein (p.Cys394Tyr). The frequency data for this variant in the population databases is considered unreliable, as metrics indicate poor data quality at this position in the gnomAD database. This variant has not been reported in the literature in individuals affected with WNT10A-related conditions. Advanced modeling of protein sequence and biophysical properties (such as structural, functional, and spatial information, amino acid conservation, physicochemical variation, residue mobility, and thermodynamic stability) performed at Invitae indicates that this missense variant is expected to disrupt WNT10A protein function with a positive predictive value of 80%. In summary, the available evidence is currently insufficient to determine the role of this variant in disease. Therefore, it has been classified as a Variant of Uncertain Significance.

NM_025216.3(WNT10A):c.1181G>A (p.Cys394Tyr)

Gene: WNT10A (Wnt family member 10A; plus strand). Cytogenetic location: 2q35.
Variant type: single nucleotide variant.
Coding change: c.1181G>A on transcript NM_025216.3 (MANE Select); coding-DNA position 1181, G replaced by A.
Protein change: p.Cys394Tyr; replaces cysteine 394 with tyrosine.
Molecular consequence: missense variant.
Genome position (GRCh38, 1-based): chr2:218,893,198, G>A. VCF-style: chr2-218893198-G-A. GRCh37 (hg19) VCF-style: chr2-219757920-G-A.
Other names: c.1181G>A (NM_025216.2); short protein forms C394Y.
Identifiers: ClinVar variation 3748019 (VCV003748019.3).